The following is an entry in ClinVar:

ClinVar aggregate classification (germline): Uncertain significance (1 of 4 stars; one submission).

Conditions:
Intellectual developmental disorder, autosomal dominant 1. Also called: Intellectual disability, autosomal dominant 1; MBD5 Haploinsufficiency. Identifiers: Orphanet 228402, MedGen C1969562, MONDO:0007974, OMIM 156200.

Allele frequency attached by ClinVar (database versions not stated): TOPMed below 0.00001; gnomAD exomes 0.00001.
gnomAD v4.1: 10 of 1,613,962 alleles (0.00062%); highest among the groups gnomAD compares: Non-Finnish European, 0.00085%; no homozygotes.

Submission:

Labcorp Genetics (formerly Invitae), Labcorp
Classification: Uncertain significance for Intellectual developmental disorder, autosomal dominant 1. Last evaluated: 2022-07-24. Review status: criteria provided, single submitter. Criteria: Invitae Variant Classification Sherloc (09022015). Collection method: clinical testing. Allele origin: germline.
Comment: In summary, the available evidence is currently insufficient to determine the role of this variant in disease. Therefore, it has been classified as a Variant of Uncertain Significance. Algorithms developed to predict the effect of missense changes on protein structure and function are either unavailable or do not agree on the potential impact of this missense change (SIFT: "Deleterious"; PolyPhen-2: "Benign"; Align-GVGD: "Class C55"). This variant has not been reported in the literature in individuals affected with MBD5-related conditions. This variant is not present in population databases (gnomAD no frequency). This sequence change replaces threonine, which is neutral and polar, with alanine, which is neutral and non-polar, at codon 766 of the MBD5 protein (p.Thr766Ala).

NM_001378120.1(MBD5):c.2296A>G (p.Thr766Ala)

Gene: MBD5 (methyl-CpG binding domain protein 5; plus strand). Cytogenetic location: 2q23.1.
Variant type: single nucleotide variant.
Coding change: c.2296A>G on transcript NM_001378120.1 (MANE Select); coding-DNA position 2296, A replaced by G.
Protein change: p.Thr766Ala; replaces threonine 766 with alanine.
Molecular consequence: missense variant.
Genome position (GRCh38, 1-based): chr2:148,470,239, A>G. VCF-style: chr2-148470239-A-G. GRCh37 (hg19) VCF-style: chr2-149227808-A-G.
Other names: c.2296A>G, p.Thr766Ala (NM_018328.5); short protein forms T766A.
Identifiers: ClinVar variation 1713657 (VCV001713657.6), dbSNP rs1011847192, ClinGen allele CA57579659.